The following is an entry in ClinVar:

ClinVar aggregate classification (germline): Conflicting classifications of pathogenicity. Review status: criteria provided, conflicting classifications (1 of 4 stars). 7 submissions from 7 submitters: Uncertain significance (1); Benign (2); Likely benign (4). Last evaluated 2026-01-05.

Conditions:
Osteogenesis imperfecta (OI). Identifiers: Orphanet 666, MedGen C0029434, MeSH D010013, MONDO:0019019.
Osteogenesis imperfecta type 10 (OI10). Also called: OI, TYPE X. Identifiers: Orphanet 666, MedGen C3151211, MONDO:0013459, OMIM 613848.

Allele frequency attached by ClinVar (database versions not stated): gnomAD exomes 0.00019 and 0.00043; ExAC 0.00063; TOPMed 0.00144; gnomAD 0.00150 and 0.00158; ESP Exome Variant Server 0.00223; 1000 Genomes Project 30x 0.00281; 1000 Genomes Project 0.00300.
gnomAD v4.1: 526 of 1,611,768 alleles (0.033%); highest among the groups gnomAD compares: African/African-American, 0.46%; 1 homozygote.

Submissions (7):

Labcorp Genetics (formerly Invitae), Labcorp
Classification: Benign. Last evaluated: 2026-01-05. Review status: criteria provided, single submitter. Criteria: Invitae Variant Classification Sherloc (09022015). Collection method: clinical testing. Allele origin: germline.

Blueprint Genetics
Classification: Likely benign. Last evaluated: 2024-11-01. Review status: criteria provided, single submitter. Criteria: ACMG Guidelines, 2015. Collection method: clinical testing. Allele origin: germline.

ARUP Laboratories, Molecular Genetics and Genomics, ARUP Laboratories
Classification: Likely benign. Last evaluated: 2024-07-23. Review status: criteria provided, single submitter. Criteria: ARUP Molecular Germline Variant Investigation Process 2024. Collection method: clinical testing. Allele origin: germline.

Genome Diagnostics Laboratory, The Hospital for Sick Children
Classification: Uncertain significance for Osteogenesis imperfecta. Last evaluated: 2022-03-23. Review status: criteria provided, single submitter. Criteria: ACMG Guidelines, 2015. Collection method: clinical testing. Allele origin: germline.

Illumina Laboratory Services, Illumina
Classification: Likely benign for Osteogenesis imperfecta type 10. Last evaluated: 2018-01-12. Review status: criteria provided, single submitter. Criteria: ICSL Variant Classification Criteria 13 December 2019. Collection method: clinical testing. Allele origin: germline.
Comment: This variant was observed in the ICSL laboratory as part of a predisposition screen in an ostensibly healthy population. It had not been previously curated by ICSL or reported in the Human Gene Mutation Database (HGMD: prior to June 1st, 2018), and was therefore a candidate for classification through an automated scoring system. Utilizing variant allele frequency, disease prevalence and penetrance estimates, and inheritance mode, an automated score was calculated to assess if this variant is too frequent to cause the disease. Based on the score and internal cut-off values, a variant classified as likely benign is not then subjected to further curation. The score for this variant resulted in a classification of likely benign for this disease.

GeneDx
Classification: Likely benign. Last evaluated: 2017-08-31. Review status: criteria provided, single submitter. Criteria: GeneDx Variant Classification (06012015). Collection method: clinical testing. Allele origin: germline. Affected: yes.
Comment: This variant is considered likely benign or benign based on one or more of the following criteria: it is a conservative change, it occurs at a poorly conserved position in the protein, it is predicted to be benign by multiple in silico algorithms, and/or has population frequency not consistent with disease.

Eurofins Ntd Llc (ga)
Classification: Benign. Last evaluated: 2015-06-09. Review status: criteria provided, single submitter. Criteria: EGL Classification Definitions 2015. Collection method: clinical testing. Allele origin: germline. Observed: 1 variant allele, 1 heterozygote.

NM_001235.5(SERPINH1):c.721+9T>C

Gene: SERPINH1 (serpin family H member 1; plus strand). Cytogenetic location: 11q13.5.
Variant type: single nucleotide variant.
Coding change: c.721+9T>C on transcript NM_001235.5 (MANE Select); 9 bases into the intron after coding-DNA position 721, T replaced by C.
Molecular consequence: intron variant.
Genome position (GRCh38, 1-based): chr11:75,568,838, T>C. VCF-style: chr11-75568838-T-C. GRCh37 (hg19) VCF-style: chr11-75279883-T-C.
Other names: c.721+9T>C (NM_001207014.3).
Identifiers: ClinVar variation 196324 (VCV000196324.23), dbSNP rs138193444, ClinGen allele CA202301.